The following is an entry in ClinVar:

NM_145239.3(PRRT2):c.185G>T (p.Gly62Val)

Genes: MVP-DT (MVP divergent transcript; minus strand), PRRT2 (proline rich transmembrane protein 2; plus strand). Cytogenetic location: 16p11.2.
Variant type: single nucleotide variant.
Coding change: c.185G>T on transcript NM_145239.3 (MANE Select); coding-DNA position 185, G replaced by T.
Protein change: p.Gly62Val; replaces glycine 62 with valine.
Molecular consequence: missense variant.
Genome position (GRCh38, 1-based): chr16:29,813,239, G>T. VCF-style: chr16-29813239-G-T. GRCh37 (hg19) VCF-style: chr16-29824560-G-T.
Other names: c.185G>T, p.Gly62Val (NM_001256442.2, NM_001256443.2); short protein forms G62V.
Identifiers: ClinVar variation 2828907 (VCV002828907.3), dbSNP rs2543331706, ClinGen allele CA395477592.

ClinVar aggregate classification (germline): Uncertain significance (1 of 4 stars; one submission).

Conditions:
Episodic kinesigenic dyskinesia (EKD). Also called: Paroxysmal kinesigenic dyskinesia. Identifiers: Orphanet 98809, MedGen C1868682, MONDO:0044202.

Submission:

Labcorp Genetics (formerly Invitae), Labcorp
Classification: Uncertain significance for Episodic kinesigenic dyskinesia. Last evaluated: 2023-01-15. Review status: criteria provided, single submitter. Criteria: Invitae Variant Classification Sherloc (09022015). Collection method: clinical testing. Allele origin: germline.
Comment: In summary, the available evidence is currently insufficient to determine the role of this variant in disease. Therefore, it has been classified as a Variant of Uncertain Significance. Advanced modeling of protein sequence and biophysical properties (such as structural, functional, and spatial information, amino acid conservation, physicochemical variation, residue mobility, and thermodynamic stability) performed at Invitae indicates that this missense variant is not expected to disrupt PRRT2 protein function. This variant has not been reported in the literature in individuals affected with PRRT2-related conditions. This variant is not present in population databases (gnomAD no frequency). This sequence change replaces glycine, which is neutral and non-polar, with valine, which is neutral and non-polar, at codon 62 of the PRRT2 protein (p.Gly62Val).